The following is an entry in ClinVar:

ClinVar aggregate classification (germline): Likely benign. Review status: criteria provided, multiple submitters, no conflicts (2 of 4 stars). 3 submissions from 3 submitters: Likely benign (2). 1 of the submissions does not count toward it. Last evaluated 2025-12-16.

Conditions:
ANGPTL3-related disorder. Also called: ANGPTL3-related condition.

Allele frequency attached by ClinVar (database versions not stated): ESP Exome Variant Server 0.00008; ExAC 0.00010; TOPMed 0.00010; gnomAD 0.00011.
gnomAD v4.1: 215 of 1,609,108 alleles (0.013%); highest among the groups gnomAD compares: Non-Finnish European, 0.017%; 1 homozygote.

Submissions (3):

Labcorp Genetics (formerly Invitae), Labcorp
Classification: Likely benign. Last evaluated: 2025-12-16. Review status: criteria provided, single submitter. Criteria: Invitae Variant Classification Sherloc (09022015). Collection method: clinical testing. Allele origin: germline.

CeGaT Center for Human Genetics Tuebingen
Classification: Likely benign. Last evaluated: 2025-12-01. Review status: criteria provided, single submitter. Criteria: CeGaT Center For Human Genetics Tuebingen Variant Classification Criteria Version 2. Collection method: clinical testing. Allele origin: germline. Affected: yes. Observed: 1 variant allele.
Comment: ANGPTL3: BP4, BP7

PreventionGenetics, part of Exact Sciences
Classification: Likely benign for ANGPTL3-related condition. Last evaluated: 2019-03-14. Review status: no assertion criteria provided. Collection method: clinical testing. Allele origin: germline. Not counted in ClinVar's aggregate classification.
Comment: This variant is classified as likely benign based on ACMG/AMP sequence variant interpretation guidelines (Richards et al. 2015 PMID: 25741868, with internal and published modifications).

NM_014495.4(ANGPTL3):c.691T>C (p.Leu231=)

Genes: ANGPTL3 (angiopoietin like 3; plus strand), DOCK7 (dedicator of cytokinesis 7; minus strand). Cytogenetic location: 1p31.3.
Variant type: single nucleotide variant.
Coding change: c.691T>C on transcript NM_014495.4 (MANE Select); coding-DNA position 691, T replaced by C.
Protein change: p.Leu231=; no amino-acid change (leucine 231 retained).
Molecular consequence: synonymous variant. On other transcripts: intron variant (7).
Genome position (GRCh38, 1-based): chr1:62,601,166, T>C. VCF-style: chr1-62601166-T-C. GRCh37 (hg19) VCF-style: chr1-63066837-T-C.
Other names: c.1683-14542A>G (NM_001272001.2, NM_001272000.2, NM_033407.4 and 4 more transcripts).
Identifiers: ClinVar variation 3058143 (VCV003058143.8), dbSNP rs200655658, ClinGen allele CA886657.